The following is an entry in ClinVar:

NM_000463.3(UGT1A1):c.621G>A (p.Leu207=)

Genes: UGT1A (UDP glucuronosyltransferase family 1 member A complex locus; plus strand), UGT1A1 (UDP glucuronosyltransferase family 1 member A1; plus strand), UGT1A10 (UDP glucuronosyltransferase family 1 member A10; plus strand), UGT1A3 (UDP glucuronosyltransferase family 1 member A3; plus strand), UGT1A4 (UDP glucuronosyltransferase family 1 member A4; plus strand) and 5 more. Cytogenetic location: 2q37.1.
Variant type: single nucleotide variant.
Coding change: c.621G>A on transcript NM_000463.3 (MANE Select); coding-DNA position 621, G replaced by A.
Protein change: p.Leu207=; no amino-acid change (leucine 207 retained).
Molecular consequence: synonymous variant. On other transcripts: intron variant (9).
Genome position (GRCh38, 1-based): chr2:233,760,908, G>A. VCF-style: chr2-233760908-G-A. GRCh37 (hg19) VCF-style: chr2-234669554-G-A.
Other names: c.856-6126G>A (NM_019076.5, NM_019075.4, NM_021027.3 and 1 more transcripts); c.61-6126G>A (NM_205862.3); c.862-6126G>A (NM_001072.4); c.868-6126G>A (NM_019078.2, NM_007120.3, NM_019093.4).
Identifiers: ClinVar variation 4978441 (VCV004978441.1).

ClinVar aggregate classification (germline): Likely benign (1 of 4 stars; one submission).

Conditions:
UGT1A1-related disorder. Also called: UGT1A1-related condition; UGT1A1-related disorders.

gnomAD v4.1: 7 of 1,614,034 alleles (0.00043%); highest among the groups gnomAD compares: Middle Eastern, 0.066%; no homozygotes.

Submission:

PreventionGenetics, part of Exact Sciences
Classification: Likely benign for UGT1A1-related condition. Last evaluated: 2025-09-24. Review status: criteria provided, single submitter. Criteria: ACMG Guidelines, 2015. Collection method: clinical testing. Allele origin: germline.
Comment: This variant is classified as likely benign based on ACMG/AMP sequence variant interpretation guidelines (Richards et al. 2015 PMID: 25741868, with internal and published modifications).